The following is an entry in ClinVar:

NM_004310.5(RHOH):c.478C>T (p.Gln160Ter)

Gene: RHOH (ras homolog family member H; plus strand). Cytogenetic location: 4p14.
Variant type: single nucleotide variant.
Coding change: c.478C>T on transcript NM_004310.5 (MANE Select); coding-DNA position 478, C replaced by T.
Protein change: p.Gln160Ter; replaces glutamine 160 with a stop codon.
Molecular consequence: nonsense.
Genome position (GRCh38, 1-based): chr4:40,243,864, C>T. VCF-style: chr4-40243864-C-T. GRCh37 (hg19) VCF-style: chr4-40245484-C-T.
Other names: c.478C>T, p.Gln160Ter (NM_001278359.2, NM_001278360.2, NM_001278361.2 and 9 more transcripts); short protein forms Q160*.
Identifiers: ClinVar variation 4846922 (VCV004846922.1).

ClinVar aggregate classification (germline): Uncertain significance (1 of 4 stars; one submission).

Conditions:
Epidermodysplasia verruciformis, susceptibility to, 4. Identifiers: MedGen C4749042, MONDO:0032666, OMIM 618307.

Submission:

Laboratorio de Genetica e Diagnostico Molecular, Hospital Israelita Albert Einstein
Classification: Uncertain significance for Epidermodysplasia verruciformis, susceptibility to, 4. Last evaluated: 2025-08-25. Review status: criteria provided, single submitter. Criteria: ACMG Guidelines, 2015. Collection method: clinical testing. Allele origin: germline. Affected: yes.
Comment: ACMG classification criteria: PVS1 moderate, PM2 supporting, PM3 supporting